The following is an entry in ClinVar:

ClinVar aggregate classification (germline): Uncertain significance (1 of 4 stars; one submission).

Allele frequency attached by ClinVar (database versions not stated): ExAC 0.00001; TOPMed 0.00001; gnomAD 0.00003; 1000 Genomes Project 0.00020; 1000 Genomes Project 30x 0.00031.
gnomAD v4.1: 23 of 1,613,758 alleles (0.0014%); highest among the groups gnomAD compares: Non-Finnish European, 0.0019%; no homozygotes.

Submission:

Labcorp Genetics (formerly Invitae), Labcorp
Classification: Uncertain significance. Last evaluated: 2022-08-28. Review status: criteria provided, single submitter. Criteria: Invitae Variant Classification Sherloc (09022015). Collection method: clinical testing. Allele origin: germline.
Comment: In summary, the available evidence is currently insufficient to determine the role of this variant in disease. Therefore, it has been classified as a Variant of Uncertain Significance. Algorithms developed to predict the effect of missense changes on protein structure and function are either unavailable or do not agree on the potential impact of this missense change (SIFT: "Deleterious"; PolyPhen-2: "Probably Damaging"; Align-GVGD: "Class C0"). This variant has not been reported in the literature in individuals affected with MACF1-related conditions. This variant is present in population databases (rs116746108, gnomAD 0.002%). This sequence change replaces arginine, which is basic and polar, with glutamine, which is neutral and polar, at codon 5156 of the MACF1 protein (p.Arg5156Gln).

NM_001394062.1(MACF1):c.21644G>A (p.Arg7215Gln)

Gene: MACF1 (microtubule actin crosslinking factor 1; plus strand). Cytogenetic location: 1p34.3.
Variant type: single nucleotide variant.
Coding change: c.21644G>A on transcript NM_001394062.1 (MANE Select); coding-DNA position 21644, G replaced by A.
Protein change: p.Arg7215Gln; replaces arginine 7215 with glutamine.
Molecular consequence: missense variant.
Genome position (GRCh38, 1-based): chr1:39,462,003, G>A. VCF-style: chr1-39462003-G-A. GRCh37 (hg19) VCF-style: chr1-39927675-G-A.
Other names: c.9722G>A, p.Arg3241Gln (NM_001397473.1); c.15467G>A, p.Arg5156Gln (NM_012090.5); short protein forms R5156Q, R3241Q, R7215Q.
Identifiers: ClinVar variation 1974710 (VCV001974710.4), dbSNP rs116746108, ClinGen allele CA784702.